The following is an entry in ClinVar:

NM_181552.4(CUX1):c.2246C>T (p.Ser749Leu)

Gene: CUX1 (cut like homeobox 1; plus strand). Cytogenetic location: 7q22.1.
Variant type: single nucleotide variant.
Coding change: c.2246C>T on transcript NM_181552.4 (MANE Select); coding-DNA position 2246, C replaced by T.
Protein change: p.Ser749Leu; replaces serine 749 with leucine.
Molecular consequence: missense variant. On other transcripts: intron variant (5).
Genome position (GRCh38, 1-based): chr7:102,201,543, C>T. VCF-style: chr7-102201543-C-T. GRCh37 (hg19) VCF-style: chr7-101844823-C-T.
Other names: c.2279C>T, p.Ser760Leu (NM_001202543.2); c.1255+5940C>T (NM_001913.5); c.1249+5940C>T (NM_181500.4); c.1117+5940C>T (NM_001202545.3); c.1207+5940C>T (NM_001202544.3); c.1138+5940C>T (NM_001202546.3); short protein forms S749L, S760L.
Identifiers: ClinVar variation 3905158 (VCV003905158.10).

ClinVar aggregate classification (germline): Likely benign (1 of 4 stars; one submission).

gnomAD v4.1: 60 of 1,614,048 alleles (0.0037%); highest among the groups gnomAD compares: Non-Finnish European, 0.0049%; no homozygotes.

Submission:

CeGaT Center for Human Genetics Tuebingen
Classification: Likely benign. Last evaluated: 2025-08-01. Review status: criteria provided, single submitter. Criteria: CeGaT Center For Human Genetics Tuebingen Variant Classification Criteria Version 2. Collection method: clinical testing. Allele origin: germline. Affected: yes. Observed: 2 variant alleles.
Comment: CUX1: BP4